The following is an entry in ClinVar:

ClinVar aggregate classification (germline): Uncertain significance (1 of 4 stars; one submission).

Allele frequency attached by ClinVar (database versions not stated): gnomAD exomes below 0.00001.
gnomAD v4.1: 2 of 1,609,364 alleles (0.00012%); highest among the groups gnomAD compares: Admixed American, 0.0034%; no homozygotes.

Submission:

Labcorp Genetics (formerly Invitae), Labcorp
Classification: Uncertain significance. Last evaluated: 2025-02-12. Review status: criteria provided, single submitter. Criteria: Invitae Variant Classification Sherloc (09022015). Collection method: clinical testing. Allele origin: germline.
Comment: This sequence change replaces glutamic acid, which is acidic and polar, with glycine, which is neutral and non-polar, at codon 958 of the COL18A1 protein (p.Glu958Gly). This variant is present in population databases (no rsID available, gnomAD 0.003%). This variant has not been reported in the literature in individuals affected with COL18A1-related conditions. ClinVar contains an entry for this variant (Variation ID: 1420795). Experimental studies and prediction algorithms are not available or were not evaluated, and the functional significance of this variant is currently unknown. Algorithms developed to predict the effect of sequence changes on RNA splicing suggest that this variant may disrupt the consensus splice site. In summary, the available evidence is currently insufficient to determine the role of this variant in disease. Therefore, it has been classified as a Variant of Uncertain Significance.

NM_001379500.1(COL18A1):c.2882A>G (p.Glu961Gly)

Genes: COL18A1 (collagen type XVIII alpha 1 chain; plus strand), SLC19A1 (solute carrier family 19 member 1; minus strand). Cytogenetic location: 21q22.3.
Variant type: single nucleotide variant.
Coding change: c.2882A>G on transcript NM_001379500.1 (MANE Select); coding-DNA position 2882, A replaced by G.
Protein change: p.Glu961Gly; replaces glutamic acid 961 with glycine.
Molecular consequence: missense variant.
Genome position (GRCh38, 1-based): chr21:45,505,147, A>G. VCF-style: chr21-45505147-A-G. GRCh37 (hg19) VCF-style: chr21-46925061-A-G.
Other names: c.3413A>G, p.Glu1138Gly (NM_030582.4); c.4118A>G, p.Glu1373Gly (NM_130444.3); short protein forms E1373G, E961G, E1138G.
Identifiers: ClinVar variation 1420795 (VCV001420795.6), dbSNP rs1395788254, ClinGen allele CA410499400.